The following is an entry in ClinVar:

ClinVar aggregate classification (germline): Likely benign. Review status: criteria provided, multiple submitters, no conflicts (2 of 4 stars). 2 submissions from 2 submitters: Likely benign (2). Last evaluated 2026-04-01.

Allele frequency attached by ClinVar (database versions not stated): 1000 Genomes Project 30x 0.00016; 1000 Genomes Project 0.00020.
gnomAD v4.1: 138 of 1,612,012 alleles (0.0086%); highest among the groups gnomAD compares: South Asian, 0.13%; 2 homozygotes.

Submissions (2):

CeGaT Center for Human Genetics Tuebingen
Classification: Likely benign. Last evaluated: 2026-04-01. Review status: criteria provided, single submitter. Criteria: CeGaT Center For Human Genetics Tuebingen Variant Classification Criteria Version 2. Collection method: clinical testing. Allele origin: germline. Affected: yes. Observed: 1 variant allele.
Comment: C1QBP: BP4, BP7

Labcorp Genetics (formerly Invitae), Labcorp
Classification: Likely benign. Last evaluated: 2024-07-10. Review status: criteria provided, single submitter. Criteria: Invitae Variant Classification Sherloc (09022015). Collection method: clinical testing. Allele origin: germline.

NM_001212.4(C1QBP):c.375C>A (p.Ala125=)

Gene: C1QBP (complement C1q binding protein; minus strand). Cytogenetic location: 17p13.2.
Variant type: single nucleotide variant.
Coding change: c.375C>A on transcript NM_001212.4 (MANE Select); coding-DNA position 375, C replaced by A.
Protein change: p.Ala125=; no amino-acid change (alanine 125 retained).
Molecular consequence: synonymous variant.
Genome position (GRCh38, 1-based): chr17:5,438,131, G>T on the plus strand (C>A on the coding strand, the complement: C1QBP is on the minus strand). VCF-style: chr17-5438131-G-T. GRCh37 (hg19) VCF-style: chr17-5341451-G-T.
Identifiers: ClinVar variation 2154879 (VCV002154879.6), dbSNP rs565317994, ClinGen allele CA8325324.